The following is an entry in ClinVar:

NM_001042492.3(NF1):c.7487C>G (p.Ser2496Cys)

Gene: NF1 (neurofibromin 1; plus strand). Cytogenetic location: 17q11.2.
Variant type: single nucleotide variant.
Coding change: c.7487C>G on transcript NM_001042492.3 (MANE Select); coding-DNA position 7487, C replaced by G.
Protein change: p.Ser2496Cys; replaces serine 2496 with cysteine.
Molecular consequence: missense variant.
Genome position (GRCh38, 1-based): chr17:31,352,286, C>G. VCF-style: chr17-31352286-C-G. GRCh37 (hg19) VCF-style: chr17-29679304-C-G.
Other names: c.7424C>G, p.Ser2475Cys (NM_000267.4); short protein forms S2475C, S2496C.
Identifiers: ClinVar variation 186986 (VCV000186986.18), dbSNP rs371773406, ClinGen allele CA196405.

ClinVar aggregate classification (germline): Conflicting classifications of pathogenicity. Review status: criteria provided, conflicting classifications (1 of 4 stars). 8 submissions from 7 submitters: Uncertain significance (7); Likely benign (1). Last evaluated 2025-10-29.

Conditions:
Hereditary cancer-predisposing syndrome. Also called: Neoplastic Syndromes, Hereditary; Hereditary neoplastic syndrome; Tumor predisposition; Hereditary Cancer Syndrome. Identifiers: Orphanet 140162, MedGen C0027672, MeSH D009386, MONDO:0015356.
Cardiovascular phenotype. Identifiers: MedGen CN230736.
Neurofibromatosis-Noonan syndrome (NFNS). Also called: NEUROFIBROMATOSIS WITH NOONAN PHENOTYPE. Identifiers: Orphanet 638, MedGen C2931482, MONDO:0011035, OMIM 601321. Disease mechanism: loss of function.
Juvenile myelomonocytic leukemia (JMML). Also called: LEUKEMIA, JUVENILE MYELOMONOCYTIC, SOMATIC. Identifiers: Orphanet 86834, MedGen C0349639, MONDO:0011908, OMIM 607785, HP:0012209.
Café-au-lait macules with pulmonary stenosis (WTSN). Also called: PULMONIC STENOSIS WITH CAFE-AU-LAIT SPOTS. Identifiers: MedGen C0553586, MONDO:0008672, OMIM 193520.
Neurofibromatosis, type 1 (NF1). Also called: VON RECKLINGHAUSEN DISEASE; NEUROFIBROMATOSIS, TYPE I, SOMATIC; Peripheral type neurofibromatosis; Neurofibromatosis, type I. Identifiers: Orphanet 636, MedGen C0027831, MONDO:0018975, OMIM 162200. Disease mechanism: loss of function.
Neurofibromatosis, familial spinal (FSNF). Identifiers: Orphanet 636, MedGen C1834235, MONDO:0008078, OMIM 162210. Disease mechanism: loss of function.

Allele frequency attached by ClinVar (database versions not stated): TOPMed 0.00003; ExAC 0.00001; ESP Exome Variant Server 0.00008; gnomAD exomes below 0.00001; gnomAD 0.00001.
gnomAD v4.1: 3 of 1,614,008 alleles (0.00019%); highest among the groups gnomAD compares: African/African-American, 0.004%; no homozygotes.

Submissions (8):

Labcorp Genetics (formerly Invitae), Labcorp
Classification: Likely benign for Neurofibromatosis, type 1. Last evaluated: 2025-10-29. Review status: criteria provided, single submitter. Criteria: Invitae Variant Classification Sherloc (09022015). Collection method: clinical testing. Allele origin: germline.

Quest Diagnostics Nichols Institute San Juan Capistrano
Classification: Uncertain significance. Last evaluated: 2025-04-07. Review status: criteria provided, single submitter. Criteria: Quest Diagnostics criteria. Collection method: clinical testing. Allele origin: unknown.

Baylor Genetics
Classification: Uncertain significance for Juvenile myelomonocytic leukemia. Last evaluated: 2024-02-02. Review status: criteria provided, single submitter. Criteria: ACMG Guidelines, 2015. Collection method: clinical testing. Allele origin: unknown.

GeneDx
Classification: Uncertain significance. Last evaluated: 2023-07-21. Review status: criteria provided, single submitter. Criteria: GeneDx Variant Classification Process June 2021. Collection method: clinical testing. Allele origin: germline.
Comment: In silico analysis supports that this missense variant does not alter protein structure/function; Has not been previously published as pathogenic or benign to our knowledge; This variant is associated with the following publications: (PMID: 25486365)

Genome-Nilou Lab
Classification: Uncertain significance for Neurofibromatosis, type 1. Last evaluated: 2022-03-15. Review status: criteria provided, single submitter. Criteria: ACMG Guidelines, 2015. Collection method: clinical testing. Allele origin: germline. Affected: no.

Fulgent Genetics
Classification: Uncertain significance for Neurofibromatosis, type 1; Neurofibromatosis, familial spinal; Café-au-lait macules with pulmonary stenosis; Neurofibromatosis-Noonan syndrome; Juvenile myelomonocytic leukemia. Last evaluated: 2022-01-25. Review status: criteria provided, single submitter. Criteria: ACMG Guidelines, 2015. Collection method: clinical testing. Allele origin: unknown.

Ambry Genetics
Classification: Uncertain significance for Cardiovascular phenotype; Hereditary cancer-predisposing syndrome. Last evaluated: 2021-09-17. Review status: criteria provided, single submitter. Criteria: Ambry Variant Classification Scheme 2023. Collection method: clinical testing. Allele origin: germline.

Ambry Genetics
Classification: Uncertain significance for Hereditary cancer-predisposing syndrome. Last evaluated: 2015-08-11. Review status: criteria provided, single submitter. Criteria: Ambry Autosomal Dominant and X-Linked criteria (10/2015). Collection method: clinical testing. Allele origin: germline. Observed: 1 variant allele.
Comment: The p.S2496C variant (also known as c.7487C>G), located in coding exon 51 of the NF1 gene, results from a C to G substitution at nucleotide position 7487. The serine at codon 2496 is replaced by cysteine, an amino acid with dissimilar properties. This variant was previously reported in the SNPDatabase as rs371773406. Based on data from the NHLBI Exome Sequencing Project (ESP), the G allele has an overall frequency of approximately 0.01% (1/13006) total alleles studied, having been observed in 0.02% (1/4406) African American alleles. To date, this alteration has been detected with an allele frequency of approximately 0.004% (greater than 55000 alleles tested) in our clinical cohort. This amino acid position is highly conserved in available vertebrate species. In addition, this alteration is predicted to be possibly damaging and deleterious by PolyPhen and SIFT in silico analyses, respectively. Since supporting evidence is limited at this time, the clinical significance of p.S2496C remains unclear.